The following is an entry in ClinVar:

NM_003036.4(SKI):c.2185_*15del (p.Ter729del)

Gene: SKI (SKI proto-oncogene; plus strand). Cytogenetic location: 1p36.32.
Variant type: Deletion.
Coding change: c.2185_*15del on transcript NM_003036.4 (MANE Select); coding-DNA position 2185 through 15 bases downstream of the stop codon, 18 bases deleted (TAGATTCCGTGCCTGCCG).
Protein change: p.Ter729del.
Molecular consequence: stop lost, inframe deletion.
Genome position (GRCh38, 1-based): chr1:2,306,763-2,306,780, TAGATTCCGTGCCTGCCG deleted; deleting any 18 consecutive bases within chr1:2,306,759-2,306,780 gives the same sequence; the c. name uses the placement nearest the transcript's 3' end. VCF-style (leftmost placement, unchanged base first): chr1-2306758-AGCCGTAGATTCCGTGCCT-A. GRCh37 (hg19) VCF-style: chr1-2238197-AGCCGTAGATTCCGTGCCT-A.
Other names: short protein forms :729del.
Identifiers: ClinVar variation 2638078 (VCV002638078.24), dbSNP rs2521525245, ClinGen allele CA2695197948.

ClinVar aggregate classification (germline): Uncertain significance (1 of 4 stars; one submission).

Submission:

CeGaT Center for Human Genetics Tuebingen
Classification: Uncertain significance. Last evaluated: 2023-01-01. Review status: criteria provided, single submitter. Criteria: CeGaT Center For Human Genetics Tuebingen Variant Classification Criteria Version 2. Collection method: clinical testing. Allele origin: germline. Affected: yes. Observed: 1 variant allele.
Comment: SKI: PM2